The following is an entry in ClinVar:

NM_182914.3(SYNE2):c.19967G>C (p.Ser6656Thr)

Gene: SYNE2 (spectrin repeat containing nuclear envelope protein 2; plus strand). Cytogenetic location: 14q23.2.
Variant type: single nucleotide variant.
Coding change: c.19967G>C on transcript NM_182914.3 (MANE Select); coding-DNA position 19967, G replaced by C.
Protein change: p.Ser6656Thr; replaces serine 6656 with threonine.
Molecular consequence: missense variant.
Genome position (GRCh38, 1-based): chr14:64,220,543, G>C. VCF-style: chr14-64220543-G-C. GRCh37 (hg19) VCF-style: chr14-64687261-G-C.
Other names: c.19898G>C, p.Ser6633Thr (NM_015180.6); c.491G>C, p.Ser164Thr (NM_182910.2); c.869G>C, p.Ser290Thr (NM_182913.4); c.19967G>C (NM_182914.2); short protein forms S6633T, S6656T, S164T, S290T.
Identifiers: ClinVar variation 2042119 (VCV002042119.5), dbSNP rs537891720, ClinGen allele CA7224648.

ClinVar aggregate classification (germline): Uncertain significance. Review status: criteria provided, multiple submitters, no conflicts (2 of 4 stars). 2 submissions from 2 submitters: Uncertain significance (2). Last evaluated 2025-12-15.

Conditions:
Emery-Dreifuss muscular dystrophy 5, autosomal dominant (EDMD5). Also called: EMERY-DREIFUSS MUSCULAR DYSTROPHY 5. Identifiers: Orphanet 261, MedGen C2751805, MONDO:0013072, OMIM 612999.

Allele frequency attached by ClinVar (database versions not stated): ExAC 0.00002; gnomAD 0.00003; TOPMed 0.00004; 1000 Genomes Project 30x 0.00031; 1000 Genomes Project 0.00040.
gnomAD v4.1: 50 of 1,614,160 alleles (0.0031%); highest among the groups gnomAD compares: East Asian, 0.11%; no homozygotes.

Submissions (2):

Labcorp Genetics (formerly Invitae), Labcorp
Classification: Uncertain significance for Emery-Dreifuss muscular dystrophy 5, autosomal dominant. Last evaluated: 2025-12-15. Review status: criteria provided, single submitter. Criteria: Invitae Variant Classification Sherloc (09022015). Collection method: clinical testing. Allele origin: germline.
Comment: This sequence change replaces serine, which is neutral and polar, with threonine, which is neutral and polar, at codon 6656 of the SYNE2 protein (p.Ser6656Thr). This variant is present in population databases (rs537891720, gnomAD 0.07%), and has an allele count higher than expected for a pathogenic variant. This variant has not been reported in the literature in individuals affected with SYNE2-related conditions. ClinVar contains an entry for this variant (Variation ID: 2042119). An algorithm developed to predict the effect of missense changes on protein structure and function (PolyPhen-2) suggests that this variant is likely to be tolerated. In summary, the available evidence is currently insufficient to determine the role of this variant in disease. Therefore, it has been classified as a Variant of Uncertain Significance.

Ambry Genetics
Classification: Uncertain significance. Last evaluated: 2025-04-15. Review status: criteria provided, single submitter. Criteria: Ambry Variant Classification Scheme 2023. Collection method: clinical testing. Allele origin: germline.